The following is an entry in ClinVar:

ClinVar aggregate classification (germline): Uncertain significance (1 of 4 stars; one submission).

Conditions:
Inborn genetic diseases. Identifiers: MedGen C0950123, MeSH D030342.

gnomAD v4.1: 6 of 1,285,148 alleles (0.00047%); highest among the groups gnomAD compares: Admixed American, 0.0081%; no homozygotes.

Submission:

Ambry Genetics
Classification: Uncertain significance for Inborn genetic diseases. Last evaluated: 2025-10-22. Review status: criteria provided, single submitter. Criteria: Ambry Variant Classification Scheme 2023. Collection method: clinical testing. Allele origin: germline.
Comment: The c.454G>A (p.A152T) alteration is located in exon 3 (coding exon 3) of the AVP gene. This alteration results from a G to A substitution at nucleotide position 454, causing the alanine (A) at amino acid position 152 to be replaced by a threonine (T). Based on data from gnomAD, the A allele has an overall frequency of <0.001% (0/7018) total alleles studied. The highest observed frequency was <0.001% (/) of alleles. Based on insufficient or conflicting evidence, the clinical significance of this alteration remains unclear.

NM_000490.5(AVP):c.454G>A (p.Ala152Thr)

Gene: AVP (arginine vasopressin; minus strand). Cytogenetic location: 20p13.
Variant type: single nucleotide variant.
Coding change: c.454G>A on transcript NM_000490.5 (MANE Select); coding-DNA position 454, G replaced by A.
Protein change: p.Ala152Thr; replaces alanine 152 with threonine.
Molecular consequence: missense variant.
Genome position (GRCh38, 1-based): chr20:3,082,671, C>T on the plus strand (G>A on the coding strand, the complement: AVP is on the minus strand). VCF-style: chr20-3082671-C-T. GRCh37 (hg19) VCF-style: chr20-3063317-C-T.
Other names: short protein forms A152T.
Identifiers: ClinVar variation 4593687 (VCV004593687.1).